The following is an entry in ClinVar:

NM_000038.6(APC):c.1958+25T>A

Gene: APC (APC regulator of Wnt signaling pathway; plus strand). Cytogenetic location: 5q22.2.
Variant type: single nucleotide variant.
Coding change: c.1958+25T>A on transcript NM_000038.6 (MANE Select); 25 bases into the intron after coding-DNA position 1958, T replaced by A.
Molecular consequence: intron variant.
Genome position (GRCh38, 1-based): chr5:112,835,190, T>A. VCF-style: chr5-112835190-T-A. GRCh37 (hg19) VCF-style: chr5-112170887-T-A.
Other names: c.1109+25T>A (NM_001407470.1, NM_001354906.2); c.806+25T>A (NM_001407472.1, NM_001407471.1); c.2012+25T>A (NM_001407447.1, NM_001407448.1, NM_001407449.1 and 1 more transcripts); c.1958+25T>A (NM_001354895.2, NM_001407450.1, NM_001127510.3); c.1709+25T>A (NM_001407456.1, NM_001407457.1, NM_001407455.1 and 1 more transcripts); c.1655+25T>A (NM_001407460.1, NM_001407458.1, NM_001407459.1 and 1 more transcripts); c.1928+25T>A (NM_001407452.1); c.1571+25T>A (NM_001407469.1, NM_001407467.1); and 11 more.
Identifiers: ClinVar variation 3148468 (VCV003148468.1), dbSNP rs779459996, ClinGen allele CA2709728741.
Genomic context (GRCh38, chr5:112,835,190, plus strand): 5'-TGTGTCCAGCTTGATAGCTACAAATGAGGACCACAGGTATATATAGAGTTTTATATTACT[T>A]TTAAAGTACAGAATTCATACTCTCAAAAAGACCTAATTGTAAGCAATGTTTTATATAATC-3'

ClinVar aggregate classification (germline): Benign (1 of 4 stars; one submission).

Conditions:
Familial adenomatous polyposis 1 (FAP1). Also called: POLYPOSIS, ADENOMATOUS INTESTINAL; FAMILIAL ADENOMATOUS POLYPOSIS 1, ATTENUATED. Identifiers: MedGen C2713442, MONDO:0021056, OMIM 175100. Disease mechanism: loss of function.

Submission:

Myriad Genetics, Inc.
Classification: Benign for Familial adenomatous polyposis 1. Last evaluated: 2024-03-08. Review status: criteria provided, single submitter. Criteria: Myriad Autosomal Dominant, Autosomal Recessive and X-Linked Classification Criteria (2023). Collection method: clinical testing. Allele origin: unknown.
Comment: This variant is considered benign. This variant is intronic and is not expected to impact mRNA splicing.